The following is an entry in ClinVar:

NM_004727.3(SLC24A1):c.481C>T (p.Gln161Ter)

Gene: SLC24A1 (solute carrier family 24 member 1; plus strand). Cytogenetic location: 15q22.31.
Variant type: single nucleotide variant.
Coding change: c.481C>T on transcript NM_004727.3 (MANE Select); coding-DNA position 481, C replaced by T.
Protein change: p.Gln161Ter; replaces glutamine 161 with a stop codon.
Molecular consequence: nonsense.
Genome position (GRCh38, 1-based): chr15:65,624,561, C>T. VCF-style: chr15-65624561-C-T. GRCh37 (hg19) VCF-style: chr15-65916899-C-T.
Other names: c.481C>T, p.Gln161Ter (NM_001301031.1, NM_001301032.1, NM_001301033.2); short protein forms Q161*.
Identifiers: ClinVar variation 865863 (VCV000865863.9), dbSNP rs200047855, ClinGen allele CA7619752.

ClinVar aggregate classification (germline): Pathogenic/Likely pathogenic. Review status: criteria provided, multiple submitters, no conflicts (2 of 4 stars). 3 submissions from 3 submitters: Pathogenic (2); Likely pathogenic (1). Last evaluated 2026-08-13.

Conditions:
SLC24A1-related disorder. Also called: SLC24A1-related condition.

Allele frequency attached by ClinVar (database versions not stated): TOPMed 0.00006; ESP Exome Variant Server 0.00016.
gnomAD v4.1: 10 of 1,597,126 alleles (0.00063%); highest among the groups gnomAD compares: Non-Finnish European, 0.00085%; no homozygotes.

Submissions (3):

PreventionGenetics, part of Exact Sciences
Classification: Likely pathogenic for SLC24A1-related condition. Last evaluated: 2026-08-13. Review status: criteria provided, single submitter. Criteria: ACMG Guidelines, 2015. Collection method: clinical testing. Allele origin: germline.
Comment: The SLC24A1 c.481C>T variant is predicted to result in premature protein termination (p.Gln161*). To our knowledge, this variant has not been reported in the literature in individuals with disease. This variant is present in 0.0021% of alleles in individuals of European (Non-Finnish) descent in gnomAD, and has been reported in a carrier screen of the general population (Hanany et al. 2020. PubMed ID: 31964843). Nonsense variants in SLC24A1 are an established mechanism of disease. This variant is interpreted as likely pathogenic.

Labcorp Genetics (formerly Invitae), Labcorp
Classification: Pathogenic. Last evaluated: 2025-03-17. Review status: criteria provided, single submitter. Criteria: Invitae Variant Classification Sherloc (09022015). Collection method: clinical testing. Allele origin: germline.
Comment: This sequence change creates a premature translational stop signal (p.Gln161*) in the SLC24A1 gene. It is expected to result in an absent or disrupted protein product. Loss-of-function variants in SLC24A1 are known to be pathogenic (PMID: 20850105, 26822852). This variant is present in population databases (rs200047855, gnomAD 0.002%). This variant has not been reported in the literature in individuals affected with SLC24A1-related conditions. ClinVar contains an entry for this variant (Variation ID: 865863). For these reasons, this variant has been classified as Pathogenic.

Blueprint Genetics
Classification: Pathogenic for SLC24A1-related disorders. Last evaluated: 2021-12-29. Review status: criteria provided, single submitter. Criteria: ACMG Guidelines, 2015. Collection method: clinical testing. Allele origin: germline. Affected: yes. Observed: 5 variant alleles.

Literature cited by the submitters: PubMed 20850105 (cited by Labcorp Genetics (formerly Invitae), Labcorp); PubMed 26822852 (cited by Labcorp Genetics (formerly Invitae), Labcorp).